The following is an entry in ClinVar:

ClinVar aggregate classification (germline): Uncertain significance (1 of 4 stars; one submission).

Allele frequency attached by ClinVar (database versions not stated): gnomAD exomes below 0.00001.
gnomAD v4.1: 1 of 1,599,476 alleles (0.000063%); highest among the groups gnomAD compares: South Asian, 0.0011%; no homozygotes.

Submission:

Labcorp Genetics (formerly Invitae), Labcorp
Classification: Uncertain significance. Last evaluated: 2022-03-23. Review status: criteria provided, single submitter. Criteria: Invitae Variant Classification Sherloc (09022015). Collection method: clinical testing. Allele origin: germline.
Comment: In summary, the available evidence is currently insufficient to determine the role of this variant in disease. Therefore, it has been classified as a Variant of Uncertain Significance. Variants that disrupt the consensus splice site are a relatively common cause of aberrant splicing (PMID: 17576681, 9536098). Algorithms developed to predict the effect of sequence changes on RNA splicing suggest that this variant is not likely to affect RNA splicing. This variant has not been reported in the literature in individuals affected with MSH3-related conditions. This variant is not present in population databases (gnomAD no frequency). This sequence change falls in intron 18 of the MSH3 gene. It does not directly change the encoded amino acid sequence of the MSH3 protein. It affects a nucleotide within the consensus splice site.

Literature cited by the submitters: PubMed 17576681; PubMed 9536098.

NM_002439.5(MSH3):c.2543+4A>G

Gene: MSH3 (mutS homolog 3; plus strand). Cytogenetic location: 5q14.1.
Variant type: single nucleotide variant.
Coding change: c.2543+4A>G on transcript NM_002439.5 (MANE Select); 4 bases into the intron after coding-DNA position 2543, A replaced by G.
Molecular consequence: intron variant.
Genome position (GRCh38, 1-based): chr5:80,787,676, A>G. VCF-style: chr5-80787676-A-G. GRCh37 (hg19) VCF-style: chr5-80083495-A-G.
Identifiers: ClinVar variation 1368427 (VCV001368427.6), dbSNP rs2112020426, ClinGen allele CA2573139896.